The following is an entry in ClinVar:

NM_006648.4(WNK2):c.3206T>C (p.Phe1069Ser)

Gene: WNK2 (WNK lysine deficient protein kinase 2; plus strand). Cytogenetic location: 9q22.31.
Variant type: single nucleotide variant.
Coding change: c.3206T>C on transcript NM_006648.4 (MANE Select); coding-DNA position 3206, T replaced by C.
Protein change: p.Phe1069Ser; replaces phenylalanine 1069 with serine.
Molecular consequence: missense variant.
Genome position (GRCh38, 1-based): chr9:93,261,953, T>C. VCF-style: chr9-93261953-T-C. GRCh37 (hg19) VCF-style: chr9-96024235-T-C.
Other names: c.3206T>C, p.Phe1069Ser (NM_001282394.3); short protein forms F1069S.
Identifiers: ClinVar variation 3470493 (VCV003470493.1).

ClinVar aggregate classification (germline): Uncertain significance (1 of 4 stars; one submission).

gnomAD v4.1: 3 of 1,611,454 alleles (0.00019%); highest among the groups gnomAD compares: East Asian, 0.0022%; no homozygotes.

Submission:

Ambry Genetics
Classification: Uncertain significance. Last evaluated: 2024-11-28. Review status: criteria provided, single submitter. Criteria: Ambry Variant Classification Scheme 2023. Collection method: clinical testing. Allele origin: germline.
Comment: The p.F1069S variant (also known as c.3206T>C), located in coding exon 12 of the WNK2 gene, results from a T to C substitution at nucleotide position 3206. The phenylalanine at codon 1069 is replaced by serine, an amino acid with highly dissimilar properties. This amino acid position is conserved. In addition, this alteration is predicted to be tolerated by in silico analysis. Based on the available evidence, the clinical significance of this variant remains unclear.